The following is an entry in ClinVar:

ClinVar aggregate classification (germline): Uncertain significance (1 of 4 stars; one submission).

Conditions:
Charcot-Marie-Tooth disease type 4. Also called: Charcot-Marie-Tooth, Type 4; Charcot-Marie-Tooth disease, type IV. Identifiers: Orphanet 64749, MedGen C4082197, MONDO:0018995.

Submission:

Labcorp Genetics (formerly Invitae), Labcorp
Classification: Uncertain significance for Charcot-Marie-Tooth disease type 4. Last evaluated: 2022-04-20. Review status: criteria provided, single submitter. Criteria: Invitae Variant Classification Sherloc (09022015). Collection method: clinical testing. Allele origin: germline.
Comment: This sequence change replaces lysine, which is basic and polar, with asparagine, which is neutral and polar, at codon 1028 of the SBF2 protein (p.Lys1028Asn). This variant is not present in population databases (gnomAD no frequency). This variant has not been reported in the literature in individuals affected with SBF2-related conditions. Algorithms developed to predict the effect of missense changes on protein structure and function are either unavailable or do not agree on the potential impact of this missense change (SIFT: "Deleterious"; PolyPhen-2: "Benign"; Align-GVGD: "Class C0"). In summary, the available evidence is currently insufficient to determine the role of this variant in disease. Therefore, it has been classified as a Variant of Uncertain Significance.

NM_030962.4(SBF2):c.3084A>C (p.Lys1028Asn)

Genes: SBF2 (SET binding factor 2; minus strand), LOC101928008 (uncharacterized LOC101928008; plus strand). Cytogenetic location: 11p15.4.
Variant type: single nucleotide variant.
Coding change: c.3084A>C on transcript NM_030962.4 (MANE Select); coding-DNA position 3084, A replaced by C.
Protein change: p.Lys1028Asn; replaces lysine 1028 with asparagine.
Molecular consequence: missense variant.
Genome position (GRCh38, 1-based): chr11:9,845,591, T>G on the plus strand (A>C on the coding strand, the complement: SBF2 is on the minus strand). VCF-style: chr11-9845591-T-G. GRCh37 (hg19) VCF-style: chr11-9867138-T-G.
Other names: c.3084A>C, p.Lys1028Asn (NM_001386339.1); c.2955A>C, p.Lys985Asn (NM_001386342.1); short protein forms K985N, K1028N.
Identifiers: ClinVar variation 2128335 (VCV002128335.4), dbSNP rs2494785361, ClinGen allele CA379632350.
Genomic context (GRCh38, chr11:9,845,591, plus strand): 5'-GGGCTGAAATTAACAGACTTGTCTTTCTTCTTACCGAAAAGAAGTGTTCTTTTCCTTCTG[T>G]TTTGGTAAAATTATTTGTGGGGTAGTTTGTCCAGCAGCAAAAGCAAAGGTACTGAAAATG-3'
Protein context (NP_112224.1, residues 1018-1038): GQTTPQIILP[Lys1028Asn]QKEKNTSFRT